The following is an entry in ClinVar:

ClinVar aggregate classification (germline): Uncertain significance (1 of 4 stars; one submission).

Submission:

GeneDx
Classification: Uncertain significance. Last evaluated: 2025-11-24. Review status: criteria provided, single submitter. Criteria: GeneDx Variant Classification Process June 2021. Collection method: clinical testing. Allele origin: germline. Affected: yes.
Comment: Not observed at significant frequency in large population cohorts (gnomAD); In silico analysis supports a deleterious effect on splicing; Has not been previously published as pathogenic or benign to our knowledge

NM_001370100.5(ZMYND11):c.753G>A (p.Glu251=)

Gene: ZMYND11 (zinc finger MYND-type containing 11; plus strand). Cytogenetic location: 10p15.3.
Variant type: single nucleotide variant.
Coding change: c.753G>A on transcript NM_001370100.5 (MANE Select); coding-DNA position 753, G replaced by A.
Protein change: p.Glu251=; no amino-acid change (glutamic acid 251 retained).
Molecular consequence: synonymous variant. On other transcripts: intron variant (2).
Genome position (GRCh38, 1-based): chr10:240,111, G>A. VCF-style: chr10-240111-G-A. GRCh37 (hg19) VCF-style: chr10-286051-G-A.
Other names: c.591G>A, p.Glu197= (NM_001202464.3, NM_001202467.1, NM_001370103.2 and 6 more transcripts); c.498G>A, p.Glu166= (NM_001202465.3, NM_001370110.2); c.588G>A, p.Glu196= (NM_001202466.3, NM_001370111.2); c.753G>A, p.Glu251= (NM_001202468.1, NM_001370097.3, NM_001370098.2 and 6 more transcripts); c.702G>A, p.Glu234= (NM_001330057.3, NM_001370112.2); c.660G>A, p.Glu220= (NM_001370113.2, NM_001370114.2); c.750G>A, p.Glu250= (NM_001370115.2, NM_212479.4); c.687G>A, p.Glu229= (NM_001370116.2); and 6 more.
Identifiers: ClinVar variation 3602378 (VCV003602378.3).